The following is an entry in ClinVar:

ClinVar aggregate classification (germline): Likely benign (1 of 4 stars; one submission).

Allele frequency attached by ClinVar (database versions not stated): gnomAD exomes below 0.00001.
gnomAD v4.1: 1 of 1,612,734 alleles (0.000062%); highest among the groups gnomAD compares: Non-Finnish European, 0.000085%; no homozygotes.

Submission:

CeGaT Center for Human Genetics Tuebingen
Classification: Likely benign. Last evaluated: 2022-07-01. Review status: criteria provided, single submitter. Criteria: CeGaT Center For Human Genetics Tuebingen Variant Classification Criteria Version 2. Collection method: clinical testing. Allele origin: germline. Affected: yes. Observed: 1 variant allele.
Comment: VARS1: PM2:Supporting, BP4, BP7

NM_006295.3(VARS1):c.3336A>G (p.Leu1112=)

Gene: VARS1 (valyl-tRNA synthetase 1; minus strand). Cytogenetic location: 6p21.33.
Variant type: single nucleotide variant.
Coding change: c.3336A>G on transcript NM_006295.3 (MANE Select); coding-DNA position 3336, A replaced by G.
Protein change: p.Leu1112=; no amino-acid change (leucine 1112 retained).
Molecular consequence: synonymous variant.
Genome position (GRCh38, 1-based): chr6:31,779,489, T>C on the plus strand (A>G on the coding strand, the complement: VARS1 is on the minus strand). VCF-style: chr6-31779489-T-C. GRCh37 (hg19) VCF-style: chr6-31747266-T-C.
Identifiers: ClinVar variation 2656422 (VCV002656422.24), dbSNP rs2537587634, ClinGen allele CA449802983.